The following is an entry in ClinVar:

NM_017950.4(CCDC40):c.403G>A (p.Glu135Lys)

Gene: CCDC40 (coiled-coil domain 40 molecular ruler complex subunit; plus strand). Cytogenetic location: 17q25.3.
Variant type: single nucleotide variant.
Coding change: c.403G>A on transcript NM_017950.4 (MANE Select); coding-DNA position 403, G replaced by A.
Protein change: p.Glu135Lys; replaces glutamic acid 135 with lysine.
Molecular consequence: missense variant.
Genome position (GRCh38, 1-based): chr17:80,040,121, G>A. VCF-style: chr17-80040121-G-A. GRCh37 (hg19) VCF-style: chr17-78013920-G-A.
Other names: c.403G>A, p.Glu135Lys (NM_001243342.2, NM_001330508.2); short protein forms E135K.
Identifiers: ClinVar variation 2166592 (VCV002166592.4), dbSNP rs1411060210, ClinGen allele CA401348272.

ClinVar aggregate classification (germline): Uncertain significance (1 of 4 stars; one submission).

Conditions:
Primary ciliary dyskinesia. Also called: Ciliary dyskinesia. Identifiers: Orphanet 244, MedGen C0008780, MONDO:0016575, HP:0012265.

Allele frequency attached by ClinVar (database versions not stated): gnomAD exomes below 0.00001; TOPMed 0.00001.
gnomAD v4.1: 9 of 1,614,162 alleles (0.00056%); highest among the groups gnomAD compares: Non-Finnish European, 0.00025%; no homozygotes.

Submission:

Labcorp Genetics (formerly Invitae), Labcorp
Classification: Uncertain significance for Primary ciliary dyskinesia. Last evaluated: 2023-08-04. Review status: criteria provided, single submitter. Criteria: Invitae Variant Classification Sherloc (09022015). Collection method: clinical testing. Allele origin: germline.
Comment: In summary, the available evidence is currently insufficient to determine the role of this variant in disease. Therefore, it has been classified as a Variant of Uncertain Significance. Algorithms developed to predict the effect of missense changes on protein structure and function output the following: SIFT: "Not Available"; PolyPhen-2: "Benign"; Align-GVGD: "Not Available". The lysine amino acid residue is found in multiple mammalian species, which suggests that this missense change does not adversely affect protein function. ClinVar contains an entry for this variant (Variation ID: 2166592). This variant has not been reported in the literature in individuals affected with CCDC40-related conditions. This variant is not present in population databases (gnomAD no frequency). This sequence change replaces glutamic acid, which is acidic and polar, with lysine, which is basic and polar, at codon 135 of the CCDC40 protein (p.Glu135Lys).